The following is an entry in ClinVar:

ClinVar aggregate classification (germline): Uncertain significance (1 of 4 stars; one submission).

Conditions:
Fanconi anemia complementation group O. Also called: RAD51C-Related Fanconi Anemia. Identifiers: Orphanet 84, MedGen C3150653, MONDO:0013248, OMIM 613390.

Submission:

Labcorp Genetics (formerly Invitae), Labcorp
Classification: Uncertain significance for Fanconi anemia complementation group O. Last evaluated: 2019-10-14. Review status: criteria provided, single submitter. Criteria: Invitae Variant Classification Sherloc (09022015). Collection method: clinical testing. Allele origin: germline.
Comment: In summary, the available evidence is currently insufficient to determine the role of this variant in disease. Therefore, it has been classified as a Variant of Uncertain Significance. Algorithms developed to predict the effect of missense changes on protein structure and function (SIFT, PolyPhen-2, Align-GVGD) all suggest that this variant is likely to be tolerated, but these predictions have not been confirmed by published functional studies and their clinical significance is uncertain. This variant has not been reported in the literature in individuals with RAD51C-related conditions. This variant is not present in population databases (ExAC no frequency). This sequence change replaces glutamic acid with glutamine at codon 89 of the RAD51C protein (p.Glu89Gln). The glutamic acid residue is moderately conserved and there is a small physicochemical difference between glutamic acid and glutamine.

NM_058216.3(RAD51C):c.265G>C (p.Glu89Gln)

Gene: RAD51C (RAD51 paralog C; plus strand). Cytogenetic location: 17q22.
Variant type: single nucleotide variant.
Coding change: c.265G>C on transcript NM_058216.3 (MANE Select); coding-DNA position 265, G replaced by C.
Protein change: p.Glu89Gln; replaces glutamic acid 89 with glutamine.
Molecular consequence: missense variant. On other transcripts: non-coding transcript variant (2).
Genome position (GRCh38, 1-based): chr17:58,695,050, G>C. VCF-style: chr17-58695050-G-C. GRCh37 (hg19) VCF-style: chr17-56772411-G-C.
Other names: c.265G>C, p.Glu89Gln (NM_002876.4); short protein forms E89Q.
Identifiers: ClinVar variation 967397 (VCV000967397.9), dbSNP rs876658197, ClinGen allele CA400340587.